The following is an entry in ClinVar:

NM_005263.5(GFI1):c.267C>A (p.Phe89Leu)

Gene: GFI1 (growth factor independent 1 transcriptional repressor; minus strand). Cytogenetic location: 1p22.1.
Variant type: single nucleotide variant.
Coding change: c.267C>A on transcript NM_005263.5 (MANE Select); coding-DNA position 267, C replaced by A.
Protein change: p.Phe89Leu; replaces phenylalanine 89 with leucine.
Molecular consequence: missense variant.
Genome position (GRCh38, 1-based): chr1:92,482,895, G>T on the plus strand (C>A on the coding strand, the complement: GFI1 is on the minus strand). VCF-style: chr1-92482895-G-T. GRCh37 (hg19) VCF-style: chr1-92948452-G-T.
Other names: c.267C>A, p.Phe89Leu (NM_001127215.3, NM_001127216.3); short protein forms F89L.
Identifiers: ClinVar variation 3519830 (VCV003519830.1).

ClinVar aggregate classification (germline): Uncertain significance (1 of 4 stars; one submission).

gnomAD v4.1: 2 of 1,614,026 alleles (0.00012%); highest among the groups gnomAD compares: African/African-American, 0.0013%; no homozygotes.

Submission:

Ambry Genetics
Classification: Uncertain significance. Last evaluated: 2024-11-25. Review status: criteria provided, single submitter. Criteria: Ambry Variant Classification Scheme 2023. Collection method: clinical testing. Allele origin: germline.
Comment: The p.F89L variant (also known as c.267C>A), located in coding exon 2 of the GFI1 gene, results from a C to A substitution at nucleotide position 267. The phenylalanine at codon 89 is replaced by leucine, an amino acid with highly similar properties. This amino acid position is conserved. In addition, this alteration is predicted to be tolerated by in silico analysis. Based on the available evidence, the clinical significance of this variant remains unclear.